The following is an entry in ClinVar:

NM_015272.5(RPGRIP1L):c.3295-2A>G

Gene: RPGRIP1L (RPGRIP1 like; minus strand). Cytogenetic location: 16q12.2.
Variant type: single nucleotide variant.
Coding change: c.3295-2A>G on transcript NM_015272.5 (MANE Select); the canonical splice acceptor site of the intron before coding-DNA position 3295, A replaced by G.
Molecular consequence: splice acceptor variant. On other transcripts: intron variant (2).
Genome position (GRCh38, 1-based): chr16:53,622,358, T>C on the plus strand (A>G on the coding strand, the complement: RPGRIP1L is on the minus strand). VCF-style: chr16-53622358-T-C. GRCh37 (hg19) VCF-style: chr16-53656270-T-C.
Other names: c.3193-3150A>G (NM_001127897.4); c.3193-2A>G (NM_001330538.2); c.3295-3150A>G (NM_001308334.3); c.3295-2A>G (NM_015272.4).
Identifiers: ClinVar variation 1067306 (VCV001067306.11), dbSNP rs1258182460, ClinGen allele CA395924229.

ClinVar aggregate classification (germline): Conflicting classifications of pathogenicity. Review status: criteria provided, conflicting classifications (1 of 4 stars). 4 submissions from 4 submitters: Likely pathogenic (3); Uncertain significance (1). Last evaluated 2026-02-02.

Conditions:
COACH syndrome 3. Identifiers: MedGen C5436841, MONDO:0030862, OMIM 619113.
Meckel syndrome, type 5 (MKS5). Identifiers: Orphanet 564, MedGen C1969052, MONDO:0012695, OMIM 611561.
Joubert syndrome 7 (JBTS7). Identifiers: Orphanet 220497, MedGen C1969053, MONDO:0012694, OMIM 611560.
RPGRIP1L-related disorder. Also called: RPGRIP1L-related disorders; RPGRIP1L-related condition. Identifiers: MedGen CN239416.
Meckel-Gruber syndrome. Also called: Dysencephalia splachnocystica; DYSENCEPHALIA SPLANCHNOCYSTICA; GRUBER SYNDROME. Identifiers: Orphanet 564, MedGen C0265215, MONDO:0018921.
Joubert syndrome. Also called: JOUBERT-BOLTSHAUSER SYNDROME; Familial aplasia of the vermis. Identifiers: Orphanet 475, MedGen C5979921, MONDO:0018772.

Allele frequency attached by ClinVar (database versions not stated): TOPMed 0.00001; gnomAD exomes 0.00002.
gnomAD v4.1: 8 of 584,550 alleles (0.0014%); highest among the groups gnomAD compares: East Asian, 0.003%; no homozygotes.

Submissions (4):

Labcorp Genetics (formerly Invitae), Labcorp
Classification: Likely pathogenic for Joubert syndrome; Meckel-Gruber syndrome. Last evaluated: 2026-02-02. Review status: criteria provided, single submitter. Criteria: Invitae Variant Classification Sherloc (09022015). Collection method: clinical testing. Allele origin: germline.
Comment: This sequence change affects an acceptor splice site in intron 22 of the RPGRIP1L gene. It is expected to disrupt RNA splicing. Variants that disrupt the donor or acceptor splice site typically lead to a loss of protein function (PMID: 16199547), and loss-of-function variants in RPGRIP1L are known to be pathogenic (PMID: 17558409). The frequency data for this variant in the population databases is considered unreliable, as metrics indicate poor data quality at this position in the gnomAD database. Disruption of this splice site has been observed in individual(s) with Joubert syndrome (PMID: 17960139). This variant is also known as IVS23-2A>G. ClinVar contains an entry for this variant (Variation ID: 1067306). Algorithms developed to predict the effect of sequence changes on RNA splicing suggest that this variant may disrupt the consensus splice site. In summary, the currently available evidence indicates that the variant is pathogenic, but additional data are needed to prove that conclusively. Therefore, this variant has been classified as Likely Pathogenic.

PreventionGenetics, part of Exact Sciences
Classification: Likely pathogenic for RPGRIP1L-related condition. Last evaluated: 2025-12-28. Review status: criteria provided, single submitter. Criteria: ACMG Guidelines, 2015. Collection method: clinical testing. Allele origin: germline.
Comment: The RPGRIP1L c.3295-2A>G variant is predicted to disrupt the AG splice acceptor site and interfere with normal splicing. This variant was reported in the heterozygous state in an individual with Joubert syndrome, although a second potentially causative RPGRIP1L variant was not identified (described as IVS23-2A>G, Wolf et al. 2007. PubMed ID: 17960139). This variant has not been reported in a large population database (gnomAD), indicating this variant is rare. Variants that disrupt the consensus splice acceptor site in RPGRIP1L are expected to be pathogenic. This variant is interpreted as likely pathogenic.

Fulgent Genetics
Classification: Likely pathogenic for Joubert syndrome 7; Meckel syndrome, type 5; COACH syndrome 3. Last evaluated: 2024-05-30. Review status: criteria provided, single submitter. Criteria: ACMG Guidelines, 2015. Collection method: clinical testing. Allele origin: germline.

GeneDx
Classification: Uncertain significance. Last evaluated: 2020-08-17. Review status: criteria provided, single submitter. Criteria: GeneDx Variant Classification Process June 2021. Collection method: clinical testing. Allele origin: germline. Affected: yes.
Comment: Canonical splice site variant expected to result in aberrant splicing, although in the absence of functional evidence the actual effect of this sequence change is unknown.; This variant is associated with the following publications: (PMID: 17960139)

Literature cited by the submitters: PubMed 16199547 (cited by Labcorp Genetics (formerly Invitae), Labcorp); PubMed 17558409 (cited by Labcorp Genetics (formerly Invitae), Labcorp); PubMed 17960139 (cited by Labcorp Genetics (formerly Invitae), Labcorp).